The following is an entry in ClinVar:

ClinVar aggregate classification (germline): Uncertain significance (1 of 4 stars; one submission).

Allele frequency attached by ClinVar (database versions not stated): gnomAD exomes below 0.00001; TOPMed below 0.00001.
gnomAD v4.1: 1 of 1,613,742 alleles (0.000062%); highest among the groups gnomAD compares: Non-Finnish European, 0.000085%; no homozygotes.

Submission:

Labcorp Genetics (formerly Invitae), Labcorp
Classification: Uncertain significance. Last evaluated: 2021-08-28. Review status: criteria provided, single submitter. Criteria: Invitae Variant Classification Sherloc (09022015). Collection method: clinical testing. Allele origin: germline.
Comment: In summary, the available evidence is currently insufficient to determine the role of this variant in disease. Therefore, it has been classified as a Variant of Uncertain Significance. Algorithms developed to predict the effect of missense changes on protein structure and function (SIFT, PolyPhen-2, Align-GVGD) all suggest that this variant is likely to be disruptive. This variant has not been reported in the literature in individuals affected with FLRT3-related conditions. This variant is not present in population databases (ExAC no frequency). This sequence change replaces arginine with tryptophan at codon 234 of the FLRT3 protein (p.Arg234Trp). The arginine residue is highly conserved and there is a moderate physicochemical difference between arginine and tryptophan.

NM_198391.3(FLRT3):c.700C>T (p.Arg234Trp)

Genes: FLRT3 (fibronectin leucine rich transmembrane protein 3; minus strand), MACROD2 (mono-ADP ribosylhydrolase 2; plus strand). Cytogenetic location: 20p12.1.
Variant type: single nucleotide variant.
Coding change: c.700C>T on transcript NM_198391.3 (MANE Select); coding-DNA position 700, C replaced by T.
Protein change: p.Arg234Trp; replaces arginine 234 with tryptophan.
Molecular consequence: missense variant. On other transcripts: intron variant (3).
Genome position (GRCh38, 1-based): chr20:14,326,807, G>A on the plus strand (C>T on the coding strand, the complement: FLRT3 is on the minus strand). VCF-style: chr20-14326807-G-A. GRCh37 (hg19) VCF-style: chr20-14307453-G-A.
Other names: c.272-166672G>A (NM_001351661.2, NM_001351663.2, NM_080676.6); c.700C>T, p.Arg234Trp (NM_013281.4); short protein forms R234W.
Identifiers: ClinVar variation 1446391 (VCV001446391.6), dbSNP rs2082743465, ClinGen allele CA408297400.